The following is an entry in ClinVar:

NM_004036.5(ADCY3):c.1374G>A (p.Gln458=)

Gene: ADCY3 (adenylate cyclase 3; minus strand). Cytogenetic location: 2p23.3.
Variant type: single nucleotide variant.
Coding change: c.1374G>A on transcript NM_004036.5 (MANE Select); coding-DNA position 1374, G replaced by A.
Protein change: p.Gln458=; no amino-acid change (glutamine 458 retained).
Molecular consequence: synonymous variant.
Genome position (GRCh38, 1-based): chr2:24,838,604, C>T on the plus strand (G>A on the coding strand, the complement: ADCY3 is on the minus strand). VCF-style: chr2-24838604-C-T. GRCh37 (hg19) VCF-style: chr2-25061473-C-T.
Other names: c.1374G>A, p.Gln458= (NM_001320613.2, NM_001377129.1, NM_001377130.1 and 1 more transcripts); c.1440G>A, p.Gln480= (NM_001377128.1); c.651G>A, p.Gln217= (NM_001377131.1).
Identifiers: ClinVar variation 4978818 (VCV004978818.1).

ClinVar aggregate classification (germline): Likely benign (1 of 4 stars; one submission).

Conditions:
ADCY3-related disorder. Also called: ADCY3-related condition.

Submission:

PreventionGenetics, part of Exact Sciences
Classification: Likely benign for ADCY3-related condition. Last evaluated: 2025-05-29. Review status: criteria provided, single submitter. Criteria: ACMG Guidelines, 2015. Collection method: clinical testing. Allele origin: germline.
Comment: This variant is classified as likely benign based on ACMG/AMP sequence variant interpretation guidelines (Richards et al. 2015 PMID: 25741868, with internal and published modifications).